The following is an entry in ClinVar:

NM_020987.5(ANK3):c.1492-12C>A

Gene: ANK3 (ankyrin 3; minus strand). Cytogenetic location: 10q21.2.
Variant type: single nucleotide variant.
Coding change: c.1492-12C>A on transcript NM_020987.5 (MANE Select); 12 bases into the intron before coding-DNA position 1492, C replaced by A.
Molecular consequence: intron variant.
Genome position (GRCh38, 1-based): chr10:60,198,549, G>T on the plus strand (C>A on the coding strand, the complement: ANK3 is on the minus strand). VCF-style: chr10-60198549-G-T. GRCh37 (hg19) VCF-style: chr10-61958307-G-T.
Other names: c.1474-12C>A (NM_001204403.2); c.1441-12C>A (NM_001204404.2); c.1492-12C>A (NM_001320874.2).
Identifiers: ClinVar variation 930644 (VCV000930644.39), dbSNP rs41283530, ClinGen allele CA5513108.
Genomic context (GRCh38, chr10:60,198,549, plus strand): 5'-TGTCTGCTTTCCCCAGTCGGGCTGAAATGTGGAGTGGTGTTTGGTCATCCTAAACAGCAA[G>T]GTAGAAATGTAAGGCTGATGAGCTGAGGAAACAATGGTGCCTTTATGAAAAATTCAGGGA-3'

ClinVar aggregate classification (germline): Conflicting classifications of pathogenicity. Review status: criteria provided, conflicting classifications (1 of 4 stars). 3 submissions from 3 submitters: Uncertain significance (1); Benign (1); Likely benign (1). Last evaluated 2026-05-01.

Conditions:
Intellectual developmental disorder, autosomal recessive 37. Also called: Intellectual disability-hypotonia-spasticity-sleep disorder syndrome. Identifiers: Orphanet 356996, MedGen C3809672, MONDO:0014210, OMIM 615493.

Allele frequency attached by ClinVar (database versions not stated): gnomAD 0.00138 and 0.00139; 1000 Genomes Project 0.00080; 1000 Genomes Project 30x 0.00094; TOPMed 0.00127; ESP Exome Variant Server 0.00138; ExAC 0.00144; gnomAD exomes 0.00127 and 0.00136.
gnomAD v4.1: 2,084 of 1,612,810 alleles (0.13%); highest among the groups gnomAD compares: Middle Eastern, 0.15%; 5 homozygotes.

Submissions (4):

CeGaT Center for Human Genetics Tuebingen
Classification: Likely benign. Last evaluated: 2026-05-01. Review status: criteria provided, single submitter. Criteria: CeGaT Center For Human Genetics Tuebingen Variant Classification Criteria Version 2. Collection method: clinical testing. Allele origin: germline. Affected: yes. Observed: 9 variant alleles.
Comment: ANK3: BS2

Labcorp Genetics (formerly Invitae), Labcorp
Classification: Benign. Last evaluated: 2026-01-19. Review status: criteria provided, single submitter. Criteria: Invitae Variant Classification Sherloc (09022015). Collection method: clinical testing. Allele origin: germline.

Centre for Mendelian Genomics, University Medical Centre Ljubljana
Classification: Uncertain significance for Intellectual developmental disorder, autosomal recessive 37. Last evaluated: 2019-11-07. Review status: criteria provided, single submitter. Criteria: ACMG Guidelines, 2015. Collection method: clinical testing. Allele origin: unknown. Affected: yes.
Comment: This variant was classified as: Uncertain significance. The available evidence on this variant's pathogenicity is insufficient or conflicting. The following ACMG criteria were applied in classifying this variant: PP3,BS1.

Dr. Peter K. Rogan Lab, Western University
No classification provided (evidence only). Condition: Familial cancer of breast. Review status: no classification provided. Collection method: in vitro. Allele origin: not applicable. Functional consequence: retained intron. Not counted in ClinVar's aggregate classification.